The following is an entry in ClinVar:

NM_004760.3(STK17A):c.59C>T (p.Ser20Leu)

Genes: STK17A (serine/threonine kinase 17a; plus strand), LOC129998316 (ATAC-STARR-seq lymphoblastoid silent region 18124; plus strand). Cytogenetic location: 7p13.
Variant type: single nucleotide variant.
Coding change: c.59C>T on transcript NM_004760.3 (MANE Select); coding-DNA position 59, C replaced by T.
Protein change: p.Ser20Leu; replaces serine 20 with leucine.
Molecular consequence: missense variant.
Genome position (GRCh38, 1-based): chr7:43,583,302, C>T. VCF-style: chr7-43583302-C-T. GRCh37 (hg19) VCF-style: chr7-43622901-C-T.
Other names: short protein forms S20L.
Identifiers: ClinVar variation 4590632 (VCV004590632.1).

ClinVar aggregate classification (germline): Uncertain significance (1 of 4 stars; one submission).

gnomAD v4.1: 13 of 1,529,896 alleles (0.00085%); highest among the groups gnomAD compares: South Asian, 0.0085%; no homozygotes.

Submission:

Ambry Genetics
Classification: Uncertain significance. Last evaluated: 2025-11-19. Review status: criteria provided, single submitter. Criteria: Ambry Variant Classification Scheme 2023. Collection method: clinical testing. Allele origin: germline.
Comment: The c.59C>T (p.S20L) alteration is located in exon 1 (coding exon 1) of the STK17A gene. This alteration results from a C to T substitution at nucleotide position 59, causing the serine (S) at amino acid position 20 to be replaced by a leucine (L). Based on data from gnomAD, the T allele has an overall frequency of 0.003% (5/159184) total alleles studied. The highest observed frequency was 0.018% (4/21808) of South Asian alleles. Based on insufficient or conflicting evidence, the clinical significance of this alteration remains unclear.